The following is an entry in ClinVar:

NM_001349253.2(SCN11A):c.3448C>T (p.Arg1150Ter)

Gene: SCN11A (sodium voltage-gated channel alpha subunit 11; minus strand). Cytogenetic location: 3p22.2.
Variant type: single nucleotide variant.
Coding change: c.3448C>T on transcript NM_001349253.2 (MANE Select); coding-DNA position 3448, C replaced by T.
Protein change: p.Arg1150Ter; replaces arginine 1150 with a stop codon.
Molecular consequence: nonsense.
Genome position (GRCh38, 1-based): chr3:38,872,240, G>A on the plus strand (C>T on the coding strand, the complement: SCN11A is on the minus strand). VCF-style: chr3-38872240-G-A. GRCh37 (hg19) VCF-style: chr3-38913731-G-A.
Other names: c.3448C>T, p.Arg1150Ter (NM_014139.3); short protein forms R1150*.
Identifiers: ClinVar variation 967210 (VCV000967210.7), dbSNP rs762833274, ClinGen allele CA2321784.

ClinVar aggregate classification (germline): Uncertain significance. Review status: criteria provided, multiple submitters, no conflicts (2 of 4 stars). 2 submissions from 2 submitters: Uncertain significance (2). Last evaluated 2022-11-21.

Conditions:
Hereditary sensory and autonomic neuropathy type 7. Also called: HSAN VII; Neuropathy, hereditary sensory and autonomic, type VII. Identifiers: Orphanet 391397, MedGen C3809882, MONDO:0014244, OMIM 615548.
Familial episodic pain syndrome with predominantly lower limb involvement. Also called: Episodic pain syndrome, familial, 3. Identifiers: Orphanet 391384, Orphanet 391392, MedGen C3809899, MONDO:0014247, OMIM 615552.

Allele frequency attached by ClinVar (database versions not stated): ExAC 0.00001; gnomAD 0.00001.
gnomAD v4.1: 15 of 1,610,986 alleles (0.00093%); highest among the groups gnomAD compares: Admixed American, 0.0033%; no homozygotes.

Submissions (2):

Department of Pathology and Laboratory Medicine, Sinai Health System
Classification: Uncertain significance for Hereditary sensory and autonomic neuropathy type 7; Familial episodic pain syndrome with predominantly lower limb involvement. Last evaluated: 2022-11-21. Review status: criteria provided, single submitter. Criteria: ACMG Guidelines, 2015. Collection method: research. Allele origin: germline.

Labcorp Genetics (formerly Invitae), Labcorp
Classification: Uncertain significance for Familial episodic pain syndrome with predominantly lower limb involvement; Hereditary sensory and autonomic neuropathy type 7. Last evaluated: 2019-11-11. Review status: criteria provided, single submitter. Criteria: Invitae Variant Classification Sherloc (09022015). Collection method: clinical testing. Allele origin: germline.
Comment: In summary, the available evidence is currently insufficient to determine the role of this variant in disease. Therefore, it has been classified as a Variant of Uncertain Significance. The current clinical and genetic evidence is not sufficient to establish whether loss-of-function variants in SCN11A cause disease. This variant has not been reported in the literature in individuals with SCN11A-related conditions. This variant is present in population databases (rs762833274, ExAC 0.001%). This sequence change creates a premature translational stop signal (p.Arg1150*) in the SCN11A gene. It is expected to result in an absent or disrupted protein product.